The following is an entry in ClinVar:

ClinVar aggregate classification (germline): Pathogenic (1 of 4 stars; one submission).

Allele frequency attached by ClinVar (database versions not stated): gnomAD exomes below 0.00001; TOPMed below 0.00001; gnomAD 0.00001.

Submission:

Labcorp Genetics (formerly Invitae), Labcorp
Classification: Pathogenic. Last evaluated: 2024-01-26. Review status: criteria provided, single submitter. Criteria: Invitae Variant Classification Sherloc (09022015). Collection method: clinical testing. Allele origin: germline.
Comment: This sequence change creates a premature translational stop signal (p.Thr2151Hisfs*16) in the CDH23 gene. It is expected to result in an absent or disrupted protein product. Loss-of-function variants in CDH23 are known to be pathogenic (PMID: 11138009, 21940737). This variant is not present in population databases (gnomAD no frequency). This variant has not been reported in the literature in individuals affected with CDH23-related conditions. For these reasons, this variant has been classified as Pathogenic.

Literature cited by the submitters: PubMed 11138009; PubMed 21940737.

NM_022124.6(CDH23):c.6450dup (p.Thr2151fs)

Gene: CDH23 (cadherin related 23; plus strand). Cytogenetic location: 10q22.1.
Variant type: Duplication.
Coding change: c.6450dup on transcript NM_022124.6 (MANE Select); coding-DNA position 6450, one base duplicated (C; older notation c.6450dupC).
Protein change: p.Thr2151fs; shifts the reading frame from threonine 2151.
Molecular consequence: frameshift variant.
Genome position (GRCh38, 1-based): chr10:71,793,378, C duplicated. VCF-style (leftmost placement, unchanged base first): chr10-71793377-G-GC. GRCh37 (hg19) VCF-style: chr10-73553134-G-GC.
Other names: short protein forms T2151fs.
Identifiers: ClinVar variation 2879822 (VCV002879822.3), dbSNP rs1228132046, ClinGen allele CA668109043.